The following is an entry in ClinVar:

NM_001330.5(CTF1):c.283_291dup (p.Leu97_Pro98insAlaAlaLeu)

Genes: CTF1 (cardiotrophin 1; plus strand), LOC130058878 (ATAC-STARR-seq lymphoblastoid silent region 7400; plus strand). Cytogenetic location: 16p11.2.
Variant type: Duplication.
Coding change: c.283_291dup on transcript NM_001330.5 (MANE Select); coding-DNA positions 283 to 291, 9 bases duplicated (GCCGCGCTG; older notation c.283_291dupGCCGCGCTG).
Protein change: p.Leu97_Pro98insAlaAlaLeu.
Molecular consequence: inframe insertion. On other transcripts: non-coding transcript variant (1).
Genome position (GRCh38, 1-based): chr16:30,902,216-30,902,224, GCCGCGCTG duplicated; duplicating any 9 consecutive bases within chr16:30,902,210-30,902,224 gives the same sequence; the c. name uses the placement nearest the transcript's 3' end. VCF-style (leftmost placement, unchanged base first): chr16-30902209-G-GGCGCTGGCC. GRCh37 (hg19) VCF-style: chr16-30913530-G-GGCGCTGGCC.
Other names: c.280_288dup, p.Leu96_Pro97insAlaAlaLeu (NM_001142544.3).
Identifiers: ClinVar variation 2719279 (VCV002719279.3), dbSNP rs1338794364, ClinGen allele CA719900213.
Genomic context (GRCh38, chr16:30,902,209, plus strand): 5'-CGCCCCGGCTCCGAGCCACGCGGGGCTGCCAGTGCACGAGCGGCTGCGGCTGGACGCGGC[G>GGCGCTGGCC]GCGCTGGCCGCGCTGCCCCCGCTGCTGGACGCAGTGTGTCGCCGCCAGGCCGAGCTGAAC-3'

ClinVar aggregate classification (germline): Uncertain significance (1 of 4 stars; one submission).

Submission:

Labcorp Genetics (formerly Invitae), Labcorp
Classification: Uncertain significance. Last evaluated: 2025-12-09. Review status: criteria provided, single submitter. Criteria: Invitae Variant Classification Sherloc (09022015). Collection method: clinical testing. Allele origin: germline.
Comment: This variant, c.283_291dup, results in the insertion of 3 amino acid(s) of the CTF1 protein (p.Ala95_Leu97dup), but otherwise preserves the integrity of the reading frame. The frequency data for this variant in the population databases is considered unreliable, as metrics indicate insufficient coverage at this position in the gnomAD database. This variant has not been reported in the literature in individuals affected with CTF1-related conditions. ClinVar contains an entry for this variant (Variation ID: 2719279). In summary, the available evidence is currently insufficient to determine the role of this variant in disease. Therefore, it has been classified as a Variant of Uncertain Significance.